The following is an entry in ClinVar:

ClinVar aggregate classification (germline): Uncertain significance (1 of 4 stars; one submission).

Submission:

CeGaT Center for Human Genetics Tuebingen
Classification: Uncertain significance. Last evaluated: 2022-04-01. Review status: criteria provided, single submitter. Criteria: CeGaT Center For Human Genetics Tuebingen Variant Classification Criteria Version 2. Collection method: clinical testing. Allele origin: germline. Affected: yes. Observed: 1 variant allele.
Comment: TTN: PM2

NM_001267550.2(TTN):c.10818T>G (p.Tyr3606Ter)

Gene: TTN (titin; minus strand). Cytogenetic location: 2q31.2.
Variant type: single nucleotide variant.
Coding change: c.10818T>G on transcript NM_001267550.2 (MANE Select); coding-DNA position 10818, T replaced by G.
Protein change: p.Tyr3606Ter; replaces tyrosine 3606 with a stop codon.
Molecular consequence: nonsense. On other transcripts: intron variant (5).
Genome position (GRCh38, 1-based): chr2:178,756,658, A>C on the plus strand (T>G on the coding strand, the complement: TTN is on the minus strand). VCF-style: chr2-178756658-A-C. GRCh37 (hg19) VCF-style: chr2-179621385-A-C.
Other names: c.10305T>G, p.Tyr3435Ter (NM_133437.4); c.10165+2326T>G (NM_003319.4); c.10540+884T>G (NM_133432.3); c.10303+2326T>G (NM_133378.4, NM_001256850.1, NM_133379.5); short protein forms Y3435*, Y3606*.
Identifiers: ClinVar variation 1694995 (VCV001694995.31), dbSNP rs2154335032, ClinGen allele CA349670242.
Genomic context (GRCh38, chr2:178,756,658, plus strand): 5'-AGATGCAGCTGTGTGGATGGAACTTTGAGATACACTTTCAAAAACCTGCACTTCATATTC[A>C]TATGATGATCCTTGAAATGACTTAATTTCCTTTTGAGATATTTTGCTCTCCTCCTTTGTG-3'